The following is an entry in ClinVar:

ClinVar aggregate classification (germline): Uncertain significance. Review status: criteria provided, multiple submitters, no conflicts (2 of 4 stars). 2 submissions from 2 submitters: Uncertain significance (2). Last evaluated 2022-04-14.

Conditions:
Neurodegeneration with brain iron accumulation 6 (NBIA6). Also called: COASY protein-associated neurodegeneration. Identifiers: Orphanet 397725, MedGen C4517377, MONDO:0014290, OMIM 615643.

Allele frequency attached by ClinVar (database versions not stated): gnomAD 0.00001; gnomAD exomes 0.00003 and 0.00006; TOPMed 0.00005; ExAC 0.00008.
gnomAD v4.1: 41 of 1,613,958 alleles (0.0025%); highest among the groups gnomAD compares: Non-Finnish European, 0.003%; no homozygotes.

Submissions (2):

Ambry Genetics
Classification: Uncertain significance. Last evaluated: 2022-04-14. Review status: criteria provided, single submitter. Criteria: Ambry Variant Classification Scheme 2023. Collection method: clinical testing. Allele origin: germline.

Labcorp Genetics (formerly Invitae), Labcorp
Classification: Uncertain significance for Neurodegeneration with brain iron accumulation 6. Last evaluated: 2019-03-11. Review status: criteria provided, single submitter. Criteria: Invitae Variant Classification Sherloc (09022015). Collection method: clinical testing. Allele origin: germline.
Comment: This sequence change replaces serine with threonine at codon 507 of the COASY protein (p.Ser507Thr). The serine residue is moderately conserved and there is a small physicochemical difference between serine and threonine. This variant is present in population databases (rs749449687, ExAC 0.02%). This variant has not been reported in the literature in individuals with COASY-related conditions. Algorithms developed to predict the effect of missense changes on protein structure and function (SIFT, PolyPhen-2, Align-GVGD) all suggest that this variant is likely to be tolerated, but these predictions have not been confirmed by published functional studies and their clinical significance is uncertain. In summary, the available evidence is currently insufficient to determine the role of this variant in disease. Therefore, it has been classified as a Variant of Uncertain Significance.

NM_025233.7(COASY):c.1520G>C (p.Ser507Thr)

Gene: COASY (Coenzyme A synthase; plus strand). Cytogenetic location: 17q21.2.
Variant type: single nucleotide variant.
Coding change: c.1520G>C on transcript NM_025233.7 (MANE Select); coding-DNA position 1520, G replaced by C.
Protein change: p.Ser507Thr; replaces serine 507 with threonine.
Molecular consequence: missense variant.
Genome position (GRCh38, 1-based): chr17:42,565,693, G>C. VCF-style: chr17-42565693-G-C. GRCh37 (hg19) VCF-style: chr17-40717711-G-C.
Other names: c.1520G>C, p.Ser507Thr (NM_001042529.3); c.1607G>C, p.Ser536Thr (NM_001042532.4); c.1607G>C (NM_001042532.2); short protein forms S536T, S507T.
Identifiers: ClinVar variation 855311 (VCV000855311.11), dbSNP rs749449687, ClinGen allele CA8578381.
Genomic context (GRCh38, chr17:42,565,693, plus strand): 5'-CTGACAAATGTCTCGTCTGTGCTCAGGCTGTAAGACGCATTGTGGAGAGGGATGGCCTCA[G>C]TGAAGCCGCGGCTCAAAGCCGGCTGCAGAGCCAGATGAGCGGGCAGCAGCTTGTGGAACA-3'
Protein context (NP_079509.5, residues 497-517): VRRIVERDGL[Ser507Thr]EAAAQSRLQS